The following is an entry in ClinVar:

NM_003579.4(RAD54L):c.334C>A (p.Pro112Thr)

Gene: RAD54L (RAD54 like; plus strand). Cytogenetic location: 1p34.1.
Variant type: single nucleotide variant.
Coding change: c.334C>A on transcript NM_003579.4 (MANE Select); coding-DNA position 334, C replaced by A.
Protein change: p.Pro112Thr; replaces proline 112 with threonine.
Molecular consequence: missense variant. On other transcripts: 5 prime UTR variant (1).
Genome position (GRCh38, 1-based): chr1:46,260,026, C>A. VCF-style: chr1-46260026-C-A. GRCh37 (hg19) VCF-style: chr1-46725698-C-A.
Other names: c.334C>A, p.Pro112Thr (NM_001142548.2); c.-207C>A (NM_001370766.1); short protein forms P112T.
Identifiers: ClinVar variation 1730493 (VCV001730493.2), dbSNP rs1660061823, ClinGen allele CA340182193.

ClinVar aggregate classification (germline): Uncertain significance (1 of 4 stars; one submission).

Allele frequency attached by ClinVar (database versions not stated): gnomAD exomes below 0.00001; gnomAD 0.00001; TOPMed 0.00001.

Submission:

Ambry Genetics
Classification: Uncertain significance. Last evaluated: 2022-03-08. Review status: criteria provided, single submitter. Criteria: Ambry Variant Classification Scheme 2023. Collection method: clinical testing. Allele origin: germline.
Comment: The p.P112T variant (also known as c.334C>A), located in coding exon 5 of the RAD54L gene, results from a C to A substitution at nucleotide position 334. The proline at codon 112 is replaced by threonine, an amino acid with highly similar properties. This amino acid position is conserved. In addition, this alteration is predicted to be deleterious by in silico analysis. Since supporting evidence is limited at this time, the clinical significance of this alteration remains unclear.